The following is an entry in ClinVar:

NM_182914.3(SYNE2):c.13459A>G (p.Met4487Val)

Gene: SYNE2 (spectrin repeat containing nuclear envelope protein 2; plus strand). Cytogenetic location: 14q23.2.
Variant type: single nucleotide variant.
Coding change: c.13459A>G on transcript NM_182914.3 (MANE Select); coding-DNA position 13459, A replaced by G.
Protein change: p.Met4487Val; replaces methionine 4487 with valine.
Molecular consequence: missense variant.
Genome position (GRCh38, 1-based): chr14:64,125,115, A>G. VCF-style: chr14-64125115-A-G. GRCh37 (hg19) VCF-style: chr14-64591833-A-G.
Other names: c.13459A>G, p.Met4487Val (NM_015180.6); short protein forms M4487V.
Identifiers: ClinVar variation 1347720 (VCV001347720.8), dbSNP rs370050400, ClinGen allele CA7222457.

ClinVar aggregate classification (germline): Uncertain significance (1 of 4 stars; one submission).

Conditions:
Emery-Dreifuss muscular dystrophy 5, autosomal dominant (EDMD5). Also called: EMERY-DREIFUSS MUSCULAR DYSTROPHY 5. Identifiers: Orphanet 261, MedGen C2751805, MONDO:0013072, OMIM 612999.

Allele frequency attached by ClinVar (database versions not stated): gnomAD exomes 0.00001; ExAC 0.00002.
gnomAD v4.1: 23 of 1,614,212 alleles (0.0014%); highest among the groups gnomAD compares: East Asian, 0.0045%; no homozygotes.

Submission:

Labcorp Genetics (formerly Invitae), Labcorp
Classification: Uncertain significance for Emery-Dreifuss muscular dystrophy 5, autosomal dominant. Last evaluated: 2024-03-15. Review status: criteria provided, single submitter. Criteria: Invitae Variant Classification Sherloc (09022015). Collection method: clinical testing. Allele origin: germline.
Comment: This sequence change replaces methionine, which is neutral and non-polar, with valine, which is neutral and non-polar, at codon 4487 of the SYNE2 protein (p.Met4487Val). This variant is present in population databases (rs370050400, gnomAD 0.01%). This variant has not been reported in the literature in individuals affected with SYNE2-related conditions. ClinVar contains an entry for this variant (Variation ID: 1347720). Algorithms developed to predict the effect of missense changes on protein structure and function output the following: SIFT: "Not Available"; PolyPhen-2: "Benign"; Align-GVGD: "Not Available". The valine amino acid residue is found in multiple mammalian species, which suggests that this missense change does not adversely affect protein function. In summary, the available evidence is currently insufficient to determine the role of this variant in disease. Therefore, it has been classified as a Variant of Uncertain Significance.